The following is an entry in ClinVar:

ClinVar aggregate classification (germline): Pathogenic (1 of 4 stars; one submission).

Conditions:
Immunodeficiency, common variable, 7. Identifiers: Orphanet 1572, Orphanet 696894, MedGen C3542922, MONDO:0013862, OMIM 614699.

Allele frequency attached by ClinVar (database versions not stated): gnomAD exomes below 0.00001.

Submission:

Labcorp Genetics (formerly Invitae), Labcorp
Classification: Pathogenic for Immunodeficiency, common variable, 7. Last evaluated: 2025-03-11. Review status: criteria provided, single submitter. Criteria: Invitae Variant Classification Sherloc (09022015). Collection method: clinical testing. Allele origin: germline.
Comment: This sequence change creates a premature translational stop signal (p.His955Argfs*12) in the CR2 gene. It is expected to result in an absent or disrupted protein product. Loss-of-function variants in CR2 are known to be pathogenic (PMID: 26325596, 28499783). This variant is not present in population databases (gnomAD no frequency). This variant has not been reported in the literature in individuals affected with CR2-related conditions. ClinVar contains an entry for this variant (Variation ID: 1469632). For these reasons, this variant has been classified as Pathogenic.

Literature cited by the submitters: PubMed 26325596; PubMed 28499783.

NM_001006658.3(CR2):c.2864_2865del (p.His955fs)

Gene: CR2 (complement C3d receptor 2; plus strand). Cytogenetic location: 1q32.2.
Variant type: Deletion.
Coding change: c.2864_2865del on transcript NM_001006658.3 (MANE Select); coding-DNA positions 2864 to 2865, 2 bases deleted (AT; older notation c.2864_2865delAT).
Protein change: p.His955fs; shifts the reading frame from histidine 955.
Molecular consequence: frameshift variant.
Genome position (GRCh38, 1-based): chr1:207,476,381-207,476,382, AT deleted. VCF-style (leftmost placement, unchanged base first): chr1-207476380-CAT-C. GRCh37 (hg19) VCF-style: chr1-207649725-CAT-C.
Other names: c.2687_2688del, p.His896fs (NM_001877.5); short protein forms H896fs, H955fs.
Identifiers: ClinVar variation 1469632 (VCV001469632.6), dbSNP rs2102308703, ClinGen allele CA2573131655.